The following is an entry in ClinVar:

ClinVar aggregate classification (germline): Likely pathogenic (1 of 4 stars; one submission).

Conditions:
Ullrich congenital muscular dystrophy 2 (UCMD2). Identifiers: Orphanet 75840, MedGen C4225314, MONDO:0014654, OMIM 616470.
Bethlem myopathy 2 (BTHLM2). Identifiers: Orphanet 536516, Orphanet 610, MedGen C4225313, MONDO:0034022, OMIM 616471.

Submission:

Labcorp Genetics (formerly Invitae), Labcorp
Classification: Likely pathogenic for Bethlem myopathy 2; Ullrich congenital muscular dystrophy 2. Last evaluated: 2023-10-10. Review status: criteria provided, single submitter. Criteria: Invitae Variant Classification Sherloc (09022015). Collection method: clinical testing. Allele origin: germline.
Comment: This sequence change affects a splice site in intron 23 of the COL12A1 gene. It is expected to disrupt RNA splicing. Variants that disrupt the donor or acceptor splice site typically lead to a loss of protein function (PMID: 16199547), and loss-of-function variants in COL12A1 are known to be pathogenic (PMID: 24334604, 28973083). This variant is not present in population databases (gnomAD no frequency). This variant has not been reported in the literature in individuals affected with COL12A1-related conditions. Algorithms developed to predict the effect of sequence changes on RNA splicing suggest that this variant may disrupt the consensus splice site. In summary, the currently available evidence indicates that the variant is pathogenic, but additional data are needed to prove that conclusively. Therefore, this variant has been classified as Likely Pathogenic.

Literature cited by the submitters: PubMed 16199547; PubMed 24334604; PubMed 28973083.

NM_004370.6(COL12A1):c.4417+2_4417+3del

Genes: COL12A1 (collagen type XII alpha 1 chain; minus strand), LOC129996730 (ATAC-STARR-seq lymphoblastoid active region 24756; plus strand). Cytogenetic location: 6q13.
Variant type: Microsatellite.
Coding change: c.4417+2_4417+3del on transcript NM_004370.6 (MANE Select); the canonical splice donor site of the intron after coding-DNA position 4417 through 3 bases into the intron after coding-DNA position 4417, 2 bases deleted (TG; older notation c.4417+2_4417+3delTG).
Molecular consequence: splice donor variant.
Genome position (GRCh38, 1-based): chr6:75,147,672-75,147,673, CA deleted on the plus strand (TG on the coding strand, the reverse complement: COL12A1 is on the minus strand); deleting any 2 consecutive bases within chr6:75,147,672-75,147,675 gives the same sequence; the c. name uses the placement nearest the transcript's 3' end. VCF-style (leftmost placement, unchanged base first): chr6-75147671-TCA-T. GRCh37 (hg19) VCF-style: chr6-75857387-TCA-T.
Other names: c.925+2_925+3del (NM_001424116.1, NM_080645.3); c.4144+2_4144+3del (NM_001424115.1); c.4417+2_4417+3del (NM_001424114.1, NM_001424113.1).
Identifiers: ClinVar variation 2952761 (VCV002952761.3), dbSNP rs2533371785, ClinGen allele CA2740091414.
Genomic context (GRCh38, chr6:75,147,671, plus strand): 5'-ATGGGCCATCATGCTTTATCTTGGAAAAGAAAGCAATGAGAAACAATTTTTTAATCTGAC[TCA>T]CAGGTTTTTTCTGTCCCCTTCAGAGGCTCACTATATTCATCTTCTACCACAGAATACACA-3'